The following is an entry in ClinVar:

NM_020297.4(ABCC9):c.3347G>C (p.Arg1116Pro)

Gene: ABCC9 (ATP binding cassette subfamily C member 9; minus strand). Cytogenetic location: 12p12.1.
Variant type: single nucleotide variant.
Coding change: c.3347G>C on transcript NM_020297.4 (MANE Select); coding-DNA position 3347, G replaced by C.
Protein change: p.Arg1116Pro; replaces arginine 1116 with proline.
Molecular consequence: missense variant.
Genome position (GRCh38, 1-based): chr12:21,842,440, C>G on the plus strand (G>C on the coding strand, the complement: ABCC9 is on the minus strand). VCF-style: chr12-21842440-C-G. GRCh37 (hg19) VCF-style: chr12-21995374-C-G.
Other names: c.3347G>C, p.Arg1116Pro (NM_001377273.1, NM_005691.4); c.2480G>C, p.Arg827Pro (NM_001377274.1); short protein forms R827P, R1116P.
Identifiers: ClinVar variation 2693354 (VCV002693354.3), dbSNP rs387907227, ClinGen allele CA384140999.

ClinVar aggregate classification (germline): Uncertain significance (1 of 4 stars; one submission).

Conditions:
Dilated cardiomyopathy 1O (CMD1O). Also called: CARDIOMYOPATHY, DILATED, WITH VENTRICULAR TACHYCARDIA. Identifiers: Orphanet 154, MedGen C1837839, MONDO:0012062, OMIM 608569.

Submission:

Labcorp Genetics (formerly Invitae), Labcorp
Classification: Uncertain significance for Dilated cardiomyopathy 1O. Last evaluated: 2023-12-21. Review status: criteria provided, single submitter. Criteria: Invitae Variant Classification Sherloc (09022015). Collection method: clinical testing. Allele origin: germline.
Comment: This sequence change replaces arginine, which is basic and polar, with proline, which is neutral and non-polar, at codon 1116 of the ABCC9 protein (p.Arg1116Pro). This variant is not present in population databases (gnomAD no frequency). This variant has not been reported in the literature in individuals affected with ABCC9-related conditions. Advanced modeling of protein sequence and biophysical properties (such as structural, functional, and spatial information, amino acid conservation, physicochemical variation, residue mobility, and thermodynamic stability) performed at Invitae indicates that this missense variant is expected to disrupt ABCC9 protein function with a positive predictive value of 80%. Algorithms developed to predict the effect of sequence changes on RNA splicing suggest that this variant may disrupt the consensus splice site. This variant disrupts the p.Arg1116 amino acid residue in ABCC9. Other variant(s) that disrupt this residue have been determined to be pathogenic (PMID: 22610116, 23307537, 25590979, 27316244). This suggests that this residue is clinically significant, and that variants that disrupt this residue are likely to be disease-causing. In summary, the available evidence is currently insufficient to determine the role of this variant in disease. Therefore, it has been classified as a Variant of Uncertain Significance.

Literature cited by the submitters: PubMed 22610116; PubMed 23307537; PubMed 25590979; PubMed 27316244.